The following is an entry in ClinVar:

ClinVar aggregate classification (germline): Uncertain significance (1 of 4 stars; one submission).

Conditions:
Seizures, benign familial infantile, 3 (BFIS3). Also called: CONVULSIONS, BENIGN FAMILIAL INFANTILE, 3; Familial neonatal seizures. Identifiers: Orphanet 140927, Orphanet 306, MedGen C1843140, MONDO:0011904, OMIM 607745.
Developmental and epileptic encephalopathy, 11 (DEE11). Also called: Early infantile epileptic encephalopathy 11. Identifiers: Orphanet 1934, MedGen C3150987, MONDO:0013388, OMIM 613721.

Submission:

Labcorp Genetics (formerly Invitae), Labcorp
Classification: Uncertain significance for Seizures, benign familial infantile, 3; Developmental and epileptic encephalopathy, 11. Last evaluated: 2023-04-07. Review status: criteria provided, single submitter. Criteria: Invitae Variant Classification Sherloc (09022015). Collection method: clinical testing. Allele origin: germline.
Comment: In summary, the available evidence is currently insufficient to determine the role of this variant in disease. Therefore, it has been classified as a Variant of Uncertain Significance. Algorithms developed to predict the effect of sequence changes on RNA splicing suggest that this variant may create or strengthen a splice site. This variant has not been reported in the literature in individuals affected with SCN2A-related conditions. This variant is not present in population databases (gnomAD no frequency). This sequence change falls in intron 17 of the SCN2A gene. It does not directly change the encoded amino acid sequence of the SCN2A protein.

NM_001040142.2(SCN2A):c.3399+15A>G

Gene: SCN2A (sodium voltage-gated channel alpha subunit 2; plus strand). Cytogenetic location: 2q24.3.
Variant type: single nucleotide variant.
Coding change: c.3399+15A>G on transcript NM_001040142.2 (MANE Select); 15 bases into the intron after coding-DNA position 3399, A replaced by G.
Molecular consequence: intron variant.
Genome position (GRCh38, 1-based): chr2:165,354,686, A>G. VCF-style: chr2-165354686-A-G. GRCh37 (hg19) VCF-style: chr2-166211196-A-G.
Other names: c.3399+15A>G (NM_001040143.2, NM_001371246.1, NM_001371247.1 and 1 more transcripts).
Identifiers: ClinVar variation 2929594 (VCV002929594.3), dbSNP rs2468036983, ClinGen allele CA2740095814.
Genomic context (GRCh38, chr2:165,354,686, plus strand): 5'-TACTGAAGAATTCAGCAGCGAGTCAGATATGGAGGAAAGCAAAGAGGTAAAAATGTTTAA[A>G]TAAGGAGATATTTTGGTGTTATATAATTCTGTTGTTTAAAATTATCAGGTGTTTTTAAAT-3'